The following is an entry in ClinVar:

ClinVar aggregate classification (germline): Likely benign (1 of 4 stars; one submission).

Allele frequency attached by ClinVar (database versions not stated): gnomAD exomes 0.00001 and 0.00003; TOPMed 0.00001; ExAC 0.00004.
gnomAD v4.1: 13 of 1,614,034 alleles (0.00081%); highest among the groups gnomAD compares: Middle Eastern, 0.016%; no homozygotes.

Submission:

GeneDx
Classification: Likely benign. Last evaluated: 2013-08-26. Review status: criteria provided, single submitter. Criteria: GeneDx Variant Classification (06012015). Collection method: clinical testing. Allele origin: germline. Affected: yes.
Comment: This variant is considered likely benign or benign based on one or more of the following criteria: it is a conservative change, it occurs at a poorly conserved position in the protein, it is predicted to be benign by multiple in silico algorithms, and/or has population frequency not consistent with disease.

NM_016065.4(MRPS16):c.38G>A (p.Arg13His)

Genes: DNAJC9-AS1 (DNAJC9 and MRPS16 antisense RNA 1; plus strand), MRPS16 (mitochondrial ribosomal protein S16; minus strand). Cytogenetic location: 10q22.2.
Variant type: single nucleotide variant.
Coding change: c.38G>A on transcript NM_016065.4 (MANE Select); coding-DNA position 38, G replaced by A.
Protein change: p.Arg13His; replaces arginine 13 with histidine.
Molecular consequence: missense variant.
Genome position (GRCh38, 1-based): chr10:73,251,999, C>T on the plus strand (G>A on the coding strand, the complement: MRPS16 is on the minus strand). VCF-style: chr10-73251999-C-T. GRCh37 (hg19) VCF-style: chr10-75011757-C-T.
Other names: short protein forms R13H.
Identifiers: ClinVar variation 214669 (VCV000214669.1), dbSNP rs766669461, ClinGen allele CA321765.